The following is an entry in ClinVar:

ClinVar aggregate classification (germline): Uncertain significance (1 of 4 stars; one submission).

Submission:

Centre of Medical Genetics, University Hospital Muenster
Classification: Uncertain significance. Last evaluated: 2025-06-03. Review status: criteria provided, single submitter. Criteria: ACMG Guidelines, 2015. Collection method: clinical testing. Allele origin: unknown. Affected: yes. Observed: 1 variant allele, 1 heterozygote.
Comment: ACMG categories: PM2,PP3

NM_005664.4(MKRN3):c.989G>T (p.Gly330Val)

Gene: MKRN3 (makorin ring finger protein 3; plus strand). Cytogenetic location: 15q11.2.
Variant type: single nucleotide variant.
Coding change: c.989G>T on transcript NM_005664.4 (MANE Select); coding-DNA position 989, G replaced by T.
Protein change: p.Gly330Val; replaces glycine 330 with valine.
Molecular consequence: missense variant.
Genome position (GRCh38, 1-based): chr15:23,566,771, G>T. VCF-style: chr15-23566771-G-T. GRCh37 (hg19) VCF-style: chr15-23811918-G-T.
Other names: short protein forms G330V.
Identifiers: ClinVar variation 4526361 (VCV004526361.1).